The following is an entry in ClinVar:

NM_001042492.3(NF1):c.6705-9_6705-8insGCAGATTG

Gene: NF1 (neurofibromin 1; plus strand). Cytogenetic location: 17q11.2.
Variant type: Insertion.
Coding change: c.6705-9_6705-8insGCAGATTG on transcript NM_001042492.3 (MANE Select); 9 bases into the intron before coding-DNA position 6705 through 8 bases into the intron before coding-DNA position 6705, GCAGATTG inserted.
Molecular consequence: intron variant.
Genome position: GRCh38 VCF-style: chr17-31338016-T-TGCAGATTG. GRCh37 (hg19) VCF-style: chr17-29665034-T-TGCAGATTG.
Other names: c.6642-9_6642-8insGCAGATTG (NM_000267.4).
Identifiers: ClinVar variation 849609 (VCV000849609.6), dbSNP rs2069723972, ClinGen allele CA916080683.

ClinVar aggregate classification (germline): Uncertain significance (1 of 4 stars; one submission).

Conditions:
Neurofibromatosis, type 1 (NF1). Also called: Neurofibromatosis, type I; VON RECKLINGHAUSEN DISEASE; Peripheral type neurofibromatosis; NEUROFIBROMATOSIS, TYPE I, SOMATIC. Identifiers: Orphanet 636, MedGen C0027831, MONDO:0018975, OMIM 162200. Disease mechanism: loss of function.

Submission:

Labcorp Genetics (formerly Invitae), Labcorp
Classification: Uncertain significance for Neurofibromatosis, type 1. Last evaluated: 2019-12-04. Review status: criteria provided, single submitter. Criteria: Invitae Variant Classification Sherloc (09022015). Collection method: clinical testing. Allele origin: germline.
Comment: In summary, the available evidence is currently insufficient to determine the role of this variant in disease. Therefore, it has been classified as a Variant of Uncertain Significance. Algorithms developed to predict the effect of sequence changes on RNA splicing suggest that this variant may disrupt the consensus splice site, but this prediction has not been confirmed by published transcriptional studies. This variant has not been reported in the literature in individuals with NF1-related conditions. This variant is not present in population databases (ExAC no frequency). This sequence change falls in intron 43 of the NF1 gene. It does not directly change the encoded amino acid sequence of the NF1 protein.